The following is an entry in ClinVar:

NM_152416.4(NDUFAF6):c.275C>T (p.Ala92Val)

Gene: NDUFAF6 (NADH:ubiquinone oxidoreductase complex assembly factor 6; plus strand). Cytogenetic location: 8q22.1.
Variant type: single nucleotide variant.
Coding change: c.275C>T on transcript NM_152416.4 (MANE Select); coding-DNA position 275, C replaced by T.
Protein change: p.Ala92Val; replaces alanine 92 with valine.
Molecular consequence: missense variant. On other transcripts: 5 prime UTR variant (17), non-coding transcript variant (6), intron variant (1).
Genome position (GRCh38, 1-based): chr8:95,032,072, C>T. VCF-style: chr8-95032072-C-T. GRCh37 (hg19) VCF-style: chr8-96044300-C-T.
Other names: p.Ala92Val; c.-6C>T (NM_001330582.2, NM_001354514.2, NM_001354515.2 and 1 more transcripts); c.119C>T, p.Ala40Val (NM_001354516.2); c.-178C>T (NM_001354518.2); c.-174C>T (NM_001354519.2); c.-306C>T (NM_001354522.2, NM_001354529.2); c.-379C>T (NM_001354524.2, NM_001354525.2); c.-523C>T (NM_001354527.2); and 8 more; short protein forms A92V, A40V.
Identifiers: ClinVar variation 1991281 (VCV001991281.4), dbSNP rs142147073, ClinGen allele CA4814719.

ClinVar aggregate classification (germline): Uncertain significance. Review status: criteria provided, multiple submitters, no conflicts (2 of 4 stars). 3 submissions from 3 submitters: Uncertain significance (3). Last evaluated 2024-10-21.

Allele frequency attached by ClinVar (database versions not stated): gnomAD exomes 0.00016; ESP Exome Variant Server 0.00023; gnomAD 0.00005; TOPMed 0.00007; ExAC 0.00008.
gnomAD v4.1: 239 of 1,613,918 alleles (0.015%); highest among the groups gnomAD compares: Non-Finnish European, 0.019%; 1 homozygote.

Submissions (3):

Mayo Clinic Laboratories, Mayo Clinic
Classification: Uncertain significance. Last evaluated: 2024-10-21. Review status: criteria provided, single submitter. Criteria: ACMG Guidelines, 2015. Collection method: clinical testing. Allele origin: germline. Observed: 2 variant alleles.

GeneDx
Classification: Uncertain significance. Last evaluated: 2022-12-30. Review status: criteria provided, single submitter. Criteria: GeneDx Variant Classification Process June 2021. Collection method: clinical testing. Allele origin: germline. Affected: yes.
Comment: In silico analysis supports that this missense variant has a deleterious effect on protein structure/function; Has not been previously published as pathogenic or benign to our knowledge

Labcorp Genetics (formerly Invitae), Labcorp
Classification: Uncertain significance. Last evaluated: 2022-04-12. Review status: criteria provided, single submitter. Criteria: Invitae Variant Classification Sherloc (09022015). Collection method: clinical testing. Allele origin: germline.
Comment: This sequence change replaces alanine, which is neutral and non-polar, with valine, which is neutral and non-polar, at codon 92 of the NDUFAF6 protein (p.Ala92Val). This variant is present in population databases (rs142147073, gnomAD 0.02%). This variant has not been reported in the literature in individuals affected with NDUFAF6-related conditions. Algorithms developed to predict the effect of missense changes on protein structure and function (SIFT, PolyPhen-2, Align-GVGD) all suggest that this variant is likely to be disruptive. In summary, the available evidence is currently insufficient to determine the role of this variant in disease. Therefore, it has been classified as a Variant of Uncertain Significance.

Literature cited by the submitters: PubMed 35699875 (cited by Mayo Clinic Laboratories, Mayo Clinic).